The following is an entry in ClinVar:

ClinVar aggregate classification (germline): Uncertain significance (1 of 4 stars; one submission).

Conditions:
Inborn genetic diseases. Identifiers: MedGen C0950123, MeSH D030342.

Submission:

Ambry Genetics
Classification: Uncertain significance for Inborn genetic diseases. Last evaluated: 2026-05-14. Review status: criteria provided, single submitter. Criteria: Ambry Variant Classification Scheme 2023. Collection method: clinical testing. Allele origin: germline.
Comment: The p.M1118T variant (also known as c.3353T>C), located in coding exon 32 of the RTEL1 gene, results from a T to C substitution at nucleotide position 3353. The methionine at codon 1118 is replaced by threonine, an amino acid with similar properties. This amino acid position is conserved. In addition, the in silico prediction for this alteration is inconclusive. Based on the available evidence, the clinical significance of this variant remains unclear.

NM_001283009.2(RTEL1):c.3353T>C (p.Met1118Thr)

Genes: RTEL1 (regulator of telomere elongation helicase 1; plus strand), RTEL1-TNFRSF6B (RTEL1-TNFRSF6B readthrough (NMD candidate); plus strand). Cytogenetic location: 20q13.33.
Variant type: single nucleotide variant.
Coding change: c.3353T>C on transcript NM_001283009.2 (MANE Select); coding-DNA position 3353, T replaced by C.
Protein change: p.Met1118Thr; replaces methionine 1118 with threonine.
Molecular consequence: missense variant. On other transcripts: non-coding transcript variant (1).
Genome position (GRCh38, 1-based): chr20:63,695,075, T>C. VCF-style: chr20-63695075-T-C. GRCh37 (hg19) VCF-style: chr20-62326428-T-C.
Other names: c.2684T>C, p.Met895Thr (NM_001283010.1); c.3353T>C, p.Met1118Thr (NM_016434.4); c.3425T>C, p.Met1142Thr (NM_032957.5); short protein forms M1118T, M1142T, M895T.
Identifiers: ClinVar variation 4863583 (VCV004863583.1).
Genomic context (GRCh38, chr20:63,695,075, plus strand): 5'-GGCAGGGGACAAAATGGGGGCTGTGCCGGGTCTGATTGAAGCTCCCCGCAGGGTTCAGCA[T>C]GTTTGTGCGTCCACACCACAAGCAGCGCTTCTCACAGACGTGCACAGACCTGACCGGCCG-3'
Protein context (NP_001269938.1, residues 1108-1128): EDFPLLHRFS[Met1118Thr]FVRPHHKQRF